The following is an entry in ClinVar:

NM_004100.5(EYA4):c.1583A>G (p.Asn528Ser)

Genes: EYA4 (EYA transcriptional coactivator and phosphatase 4; plus strand), TARID (TCF21 antisense RNA inducing promoter demethylation; minus strand). Cytogenetic location: 6q23.2.
Variant type: single nucleotide variant.
Coding change: c.1583A>G on transcript NM_004100.5 (MANE Select); coding-DNA position 1583, A replaced by G.
Protein change: p.Asn528Ser; replaces asparagine 528 with serine.
Molecular consequence: missense variant.
Genome position (GRCh38, 1-based): chr6:133,515,402, A>G. VCF-style: chr6-133515402-A-G. GRCh37 (hg19) VCF-style: chr6-133836540-A-G.
Other names: c.1421A>G, p.Asn474Ser (NM_001301012.2); c.1601A>G, p.Asn534Ser (NM_001301013.2); c.1514A>G, p.Asn505Ser (NM_001370458.1, NM_172103.4); c.1439A>G, p.Asn480Ser (NM_001370459.1); c.1583A>G, p.Asn528Ser (NM_172105.4); short protein forms N474S, N480S, N505S, N528S, N534S.
Identifiers: ClinVar variation 1715897 (VCV001715897.5), dbSNP rs2535379917, ClinGen allele CA365695529.

ClinVar aggregate classification (germline): Uncertain significance (1 of 4 stars; one submission).

Conditions:
Dilated cardiomyopathy 1J (CMD1J). Also called: CARDIOMYOPATHY, DILATED, WITH SENSORINEURAL HEARING LOSS, AUTOSOMAL DOMINANT. Identifiers: Orphanet 217622, MedGen C1854368, MONDO:0011541, OMIM 605362.

Allele frequency attached by ClinVar (database versions not stated): gnomAD exomes below 0.00001.
gnomAD v4.1: 1 of 1,609,922 alleles (0.000062%); highest among the groups gnomAD compares: Non-Finnish European, 0.000085%; no homozygotes.

Submission:

Labcorp Genetics (formerly Invitae), Labcorp
Classification: Uncertain significance for Dilated cardiomyopathy 1J. Last evaluated: 2022-11-15. Review status: criteria provided, single submitter. Criteria: Invitae Variant Classification Sherloc (09022015). Collection method: clinical testing. Allele origin: germline.
Comment: In summary, the available evidence is currently insufficient to determine the role of this variant in disease. Therefore, it has been classified as a Variant of Uncertain Significance. Advanced modeling of protein sequence and biophysical properties (such as structural, functional, and spatial information, amino acid conservation, physicochemical variation, residue mobility, and thermodynamic stability) performed at Invitae indicates that this missense variant is not expected to disrupt EYA4 protein function. This variant has not been reported in the literature in individuals affected with EYA4-related conditions. This variant is not present in population databases (gnomAD no frequency). This sequence change replaces asparagine, which is neutral and polar, with serine, which is neutral and polar, at codon 528 of the EYA4 protein (p.Asn528Ser).